The following is an entry in ClinVar:

ClinVar aggregate classification (germline): Likely benign (0 of 4 stars; one submission).

Conditions:
SREBF2-related disorder. Also called: SREBF2-related condiiton.

Allele frequency attached by ClinVar (database versions not stated): ExAC 0.00004; gnomAD 0.00006; gnomAD exomes 0.00008; TOPMed 0.00016; 1000 Genomes Project 0.00020; 1000 Genomes Project 30x 0.00031.
gnomAD v4.1: 124 of 1,614,164 alleles (0.0077%); highest among the groups gnomAD compares: Admixed American, 0.028%; no homozygotes.

Submission:

PreventionGenetics, part of Exact Sciences
Classification: Likely benign for SREBF2-related condition. Last evaluated: 2019-05-16. Review status: no assertion criteria provided. Collection method: clinical testing. Allele origin: germline.
Comment: This variant is classified as likely benign based on ACMG/AMP sequence variant interpretation guidelines (Richards et al. 2015 PMID: 25741868, with internal and published modifications).

NM_004599.4(SREBF2):c.1704G>A (p.Ser568=)

Gene: SREBF2 (sterol regulatory element binding transcription factor 2; plus strand). Cytogenetic location: 22q13.2.
Variant type: single nucleotide variant.
Coding change: c.1704G>A on transcript NM_004599.4 (MANE Select); coding-DNA position 1704, G replaced by A.
Protein change: p.Ser568=; no amino-acid change (serine 568 retained).
Molecular consequence: synonymous variant. On other transcripts: non-coding transcript variant (1).
Genome position (GRCh38, 1-based): chr22:41,878,066, G>A. VCF-style: chr22-41878066-G-A. GRCh37 (hg19) VCF-style: chr22-42274070-G-A.
Identifiers: ClinVar variation 3042254 (VCV003042254.2), dbSNP rs557989374, ClinGen allele CA10261723.